The following is an entry in ClinVar:

ClinVar aggregate classification (germline): Uncertain significance (1 of 4 stars; one submission).

Submission:

Labcorp Genetics (formerly Invitae), Labcorp
Classification: Uncertain significance. Last evaluated: 2023-08-04. Review status: criteria provided, single submitter. Criteria: Invitae Variant Classification Sherloc (09022015). Collection method: clinical testing. Allele origin: germline.
Comment: In summary, the available evidence is currently insufficient to determine the role of this variant in disease. Therefore, it has been classified as a Variant of Uncertain Significance. Advanced modeling of protein sequence and biophysical properties (such as structural, functional, and spatial information, amino acid conservation, physicochemical variation, residue mobility, and thermodynamic stability) performed at Invitae indicates that this missense variant is not expected to disrupt FAT4 protein function. ClinVar contains an entry for this variant (Variation ID: 2006418). This variant has not been reported in the literature in individuals affected with FAT4-related conditions. This variant is not present in population databases (gnomAD no frequency). This sequence change replaces threonine, which is neutral and polar, with arginine, which is basic and polar, at codon 1040 of the FAT4 protein (p.Thr1040Arg).

NM_001291303.3(FAT4):c.3119C>G (p.Thr1040Arg)

Gene: FAT4 (FAT atypical cadherin 4; plus strand). Cytogenetic location: 4q28.1.
Variant type: single nucleotide variant.
Coding change: c.3119C>G on transcript NM_001291303.3 (MANE Select); coding-DNA position 3119, C replaced by G.
Protein change: p.Thr1040Arg; replaces threonine 1040 with arginine.
Molecular consequence: missense variant.
Genome position (GRCh38, 1-based): chr4:125,319,530, C>G. VCF-style: chr4-125319530-C-G. GRCh37 (hg19) VCF-style: chr4-126240685-C-G.
Other names: c.3119C>G, p.Thr1040Arg (NM_001291285.3, NM_024582.6); short protein forms T1040R.
Identifiers: ClinVar variation 2006418 (VCV002006418.4), dbSNP rs2530440604, ClinGen allele CA358121809.